The following is an entry in ClinVar:

NM_000336.3(SCNN1B):c.1854dup (p.Asn619fs)

Gene: SCNN1B (sodium channel epithelial 1 subunit beta; plus strand). Cytogenetic location: 16p12.2.
Variant type: Duplication.
Coding change: c.1854dup on transcript NM_000336.3 (MANE Select); coding-DNA position 1854, one base duplicated (C; older notation c.1854dupC).
Protein change: p.Asn619fs; shifts the reading frame from asparagine 619.
Molecular consequence: frameshift variant.
Genome position (GRCh38, 1-based): chr16:23,380,732, C duplicated; the last of 6 consecutive C bases (chr16:23,380,727-23,380,732); duplicating any one gives the same sequence. VCF-style (leftmost placement, unchanged base first): chr16-23380726-G-GC. GRCh37 (hg19) VCF-style: chr16-23392047-G-GC.
Other names: short protein forms N619fs.
Identifiers: ClinVar variation 995266 (VCV000995266.1), dbSNP rs1963032146, ClinGen allele CA621661402.

ClinVar aggregate classification (germline): Pathogenic (1 of 4 stars; one submission).

Submission:

Athena Diagnostics
Classification: Pathogenic. Last evaluated: 2019-12-02. Review status: criteria provided, single submitter. Criteria: Athena Diagnostics Criteria. Collection method: clinical testing. Allele origin: unknown.
Comment: The variant results in a shift of the reading frame, and is therefore predicted to result in the loss of a functional protein. Not found in the total gnomAD dataset.

Literature cited by the submitters: PubMed 25378078.